The following is an entry in ClinVar:

ClinVar aggregate classification (germline): Uncertain significance (1 of 4 stars; one submission).

Conditions:
TMEM165-congenital disorder of glycosylation. Also called: CDG IIk; Congenital disorder of glycosylation type 2k; TMEM165-CDG. Identifiers: Orphanet 314667, MedGen C3553571, MONDO:0013870, OMIM 614727.

Allele frequency attached by ClinVar (database versions not stated): gnomAD 0.00001; gnomAD exomes 0.00002 and 0.00003; TOPMed 0.00002.

Submission:

Labcorp Genetics (formerly Invitae), Labcorp
Classification: Uncertain significance for TMEM165-congenital disorder of glycosylation. Last evaluated: 2026-01-08. Review status: criteria provided, single submitter. Criteria: Invitae Variant Classification Sherloc (09022015). Collection method: clinical testing. Allele origin: germline.
Comment: This sequence change replaces alanine, which is neutral and non-polar, with threonine, which is neutral and polar, at codon 33 of the TMEM165 protein (p.Ala33Thr). The frequency data for this variant in the population databases is considered unreliable, as metrics indicate poor data quality at this position in the gnomAD database. This variant has not been reported in the literature in individuals affected with TMEM165-related conditions. ClinVar contains an entry for this variant (Variation ID: 1401006). An algorithm developed to predict the effect of missense changes on protein structure and function (PolyPhen-2) suggests that this variant is likely to be tolerated. In summary, the available evidence is currently insufficient to determine the role of this variant in disease. Therefore, it has been classified as a Variant of Uncertain Significance.

NM_018475.5(TMEM165):c.97G>A (p.Ala33Thr)

Genes: TMEM165 (transmembrane protein 165; plus strand), LOC129992613 (ATAC-STARR-seq lymphoblastoid silent region 15439; plus strand). Cytogenetic location: 4q12.
Variant type: single nucleotide variant.
Coding change: c.97G>A on transcript NM_018475.5 (MANE Select); coding-DNA position 97, G replaced by A.
Protein change: p.Ala33Thr; replaces alanine 33 with threonine.
Molecular consequence: missense variant. On other transcripts: non-coding transcript variant (1).
Genome position (GRCh38, 1-based): chr4:55,396,286, G>A. VCF-style: chr4-55396286-G-A. GRCh37 (hg19) VCF-style: chr4-56262453-G-A.
Other names: short protein forms A33T.
Identifiers: ClinVar variation 1401006 (VCV001401006.7), dbSNP rs1021277116, ClinGen allele CA97484491.
Genomic context (GRCh38, chr4:55,396,286, plus strand): 5'-GCGCCCCGGCTGCTTCTGCTCTTTCTGGTTCCGCTGCTGTGGGCCCCGGCTGCGGTCCGG[G>A]CCGGCCCAGATGAAGACCTTAGCCACCGGAACAAAGAACCGCCGGCGCCGGCCCAGCAGC-3'
Protein context (NP_060945.2, residues 23-43): PLLWAPAAVR[Ala33Thr]GPDEDLSHRN